The following is an entry in ClinVar:

NM_014264.5(PLK4):c.2163T>C (p.Ala721=)

Gene: PLK4 (polo like kinase 4; plus strand). Cytogenetic location: 4q28.1.
Variant type: single nucleotide variant.
Coding change: c.2163T>C on transcript NM_014264.5 (MANE Select); coding-DNA position 2163, T replaced by C.
Protein change: p.Ala721=; no amino-acid change (alanine 721 retained).
Molecular consequence: synonymous variant. On other transcripts: intron variant (2).
Genome position (GRCh38, 1-based): chr4:127,892,489, T>C. VCF-style: chr4-127892489-T-C. GRCh37 (hg19) VCF-style: chr4-128813644-T-C.
Other names: c.1867+91T>C (NM_001441369.1); c.2166T>C, p.Ala722= (NM_001441357.1); c.2064T>C, p.Ala688= (NM_001441358.1); c.2061T>C, p.Ala687= (NM_001441359.1); c.2022T>C, p.Ala674= (NM_001441360.1); c.1965T>C, p.Ala655= (NM_001441361.1); c.1938T>C, p.Ala646= (NM_001441366.1); c.1920T>C, p.Ala640= (NM_001441367.1); and 5 more.
Identifiers: ClinVar variation 4535184 (VCV004535184.6).
Genomic context (GRCh38, chr4:127,892,489, plus strand): 5'-CAAAATCACTTATTTTACAAGATATGCTAAATGCATTTTGATGGAGAATTCTCCTGGTGC[T>C]GATTTTGAGGTTTGGTTTTATGATGGTAAGTACCATTTGGAAATGGTAATTTGTTCCTTT-3'
Protein context (NP_055079.3, residues 711-731): KCILMENSPG[Ala721=]DFEVWFYDGV

ClinVar aggregate classification (germline): Likely benign (1 of 4 stars; one submission).

Submission:

CeGaT Center for Human Genetics Tuebingen
Classification: Likely benign. Last evaluated: 2025-11-01. Review status: criteria provided, single submitter. Criteria: CeGaT Center For Human Genetics Tuebingen Variant Classification Criteria Version 2. Collection method: clinical testing. Allele origin: germline. Affected: yes. Observed: 1 variant allele.
Comment: PLK4: PM2:Supporting, BP4, BP7